The following is an entry in ClinVar:

ClinVar aggregate classification (germline): Benign/Likely benign. Review status: criteria provided, multiple submitters, no conflicts (2 of 4 stars). 6 submissions from 6 submitters: Benign (1); Likely benign (4). 1 of the submissions does not count toward it. Last evaluated 2026-01-28.

Conditions:
RNASEH2A-related disorder. Also called: RNASEH2A-related condition.
Aicardi-Goutieres syndrome 4. Identifiers: Orphanet 51, MedGen C1835912, MONDO:0012472, OMIM 610333.

Allele frequency attached by ClinVar (database versions not stated): gnomAD exomes 0.00020; ExAC 0.00022; ESP Exome Variant Server 0.00062; gnomAD 0.00073 and 0.00078; 1000 Genomes Project 0.00080; TOPMed 0.00086; 1000 Genomes Project 30x 0.00094.
gnomAD v4.1: 263 of 1,614,080 alleles (0.016%); highest among the groups gnomAD compares: African/African-American, 0.28%; no homozygotes.

Submissions (6):

Labcorp Genetics (formerly Invitae), Labcorp
Classification: Likely benign for Aicardi-Goutieres syndrome 4. Last evaluated: 2026-01-28. Review status: criteria provided, single submitter. Criteria: Invitae Variant Classification Sherloc (09022015). Collection method: clinical testing. Allele origin: germline.

Women's Health and Genetics/Laboratory Corporation of America, LabCorp
Classification: Likely benign. Last evaluated: 2026-01-05. Review status: criteria provided, single submitter. Criteria: LabCorp Variant Classification Summary - May 2015. Collection method: clinical testing. Allele origin: germline.

CeGaT Center for Human Genetics Tuebingen
Classification: Likely benign. Last evaluated: 2025-06-01. Review status: criteria provided, single submitter. Criteria: CeGaT Center For Human Genetics Tuebingen Variant Classification Criteria Version 2. Collection method: clinical testing. Allele origin: germline. Affected: yes. Observed: 1 variant allele.
Comment: RNASEH2A: BP4, BP7

Blueprint Genetics
Classification: Likely benign. Last evaluated: 2024-11-28. Review status: criteria provided, single submitter. Criteria: ACMG Guidelines, 2015. Collection method: clinical testing. Allele origin: germline.

Athena Diagnostics
Classification: Benign. Last evaluated: 2024-10-31. Review status: criteria provided, single submitter. Criteria: Athena Diagnostics Criteria. Collection method: clinical testing. Allele origin: unknown.

PreventionGenetics, part of Exact Sciences
Classification: Likely benign for RNASEH2A-related condition. Last evaluated: 2019-06-06. Review status: no assertion criteria provided. Collection method: clinical testing. Allele origin: germline. Not counted in ClinVar's aggregate classification.
Comment: This variant is classified as likely benign based on ACMG/AMP sequence variant interpretation guidelines (Richards et al. 2015 PMID: 25741868, with internal and published modifications).

NM_006397.3(RNASEH2A):c.684C>T (p.Phe228=)

Gene: RNASEH2A (ribonuclease H2 subunit A; plus strand). Cytogenetic location: 19p13.13.
Variant type: single nucleotide variant.
Coding change: c.684C>T on transcript NM_006397.3 (MANE Select); coding-DNA position 684, C replaced by T.
Protein change: p.Phe228=; no amino-acid change (phenylalanine 228 retained).
Molecular consequence: synonymous variant.
Genome position (GRCh38, 1-based): chr19:12,813,129, C>T. VCF-style: chr19-12813129-C-T. GRCh37 (hg19) VCF-style: chr19-12923943-C-T.
Identifiers: ClinVar variation 781458 (VCV000781458.25), dbSNP rs147131347, ClinGen allele CA9232008.